The following is an entry in ClinVar:

NM_000374.5(UROD):c.763C>T (p.Pro255Ser)

Gene: UROD (uroporphyrinogen decarboxylase; plus strand). Cytogenetic location: 1p34.1.
Variant type: single nucleotide variant.
Coding change: c.763C>T on transcript NM_000374.5 (MANE Select); coding-DNA position 763, C replaced by T.
Protein change: p.Pro255Ser; replaces proline 255 with serine.
Molecular consequence: missense variant. On other transcripts: non-coding transcript variant (3).
Genome position (GRCh38, 1-based): chr1:45,014,565, C>T. VCF-style: chr1-45014565-C-T. GRCh37 (hg19) VCF-style: chr1-45480237-C-T.
Other names: short protein forms P255S.
Identifiers: ClinVar variation 3633056 (VCV003633056.2).

ClinVar aggregate classification (germline): Uncertain significance (1 of 4 stars; one submission).

Submission:

Labcorp Genetics (formerly Invitae), Labcorp
Classification: Uncertain significance. Last evaluated: 2024-04-03. Review status: criteria provided, single submitter. Criteria: Invitae Variant Classification Sherloc (09022015). Collection method: clinical testing. Allele origin: germline.
Comment: This sequence change replaces proline, which is neutral and non-polar, with serine, which is neutral and polar, at codon 255 of the UROD protein (p.Pro255Ser). This variant is not present in population databases (gnomAD no frequency). This variant has not been reported in the literature in individuals affected with UROD-related conditions. Advanced modeling of protein sequence and biophysical properties (such as structural, functional, and spatial information, amino acid conservation, physicochemical variation, residue mobility, and thermodynamic stability) performed at Invitae indicates that this missense variant is not expected to disrupt UROD protein function with a negative predictive value of 80%. In summary, the available evidence is currently insufficient to determine the role of this variant in disease. Therefore, it has been classified as a Variant of Uncertain Significance.